The following is an entry in ClinVar:

ClinVar aggregate classification (germline): Uncertain significance (1 of 4 stars; one submission).

Conditions:
Facioscapulohumeral muscular dystrophy 2 (FSHD2). Also called: MUSCULAR DYSTROPHY, FACIOSCAPULOHUMERAL, TYPE 1B; FACIOSCAPULOHUMERAL MUSCULAR DYSTROPHY 2, DIGENIC; FSHD2, DIGENIC. Identifiers: Orphanet 269, MedGen C1834671, MONDO:0008031, OMIM 158901.

Allele frequency attached by ClinVar (database versions not stated): gnomAD exomes below 0.00001.
gnomAD v4.1: 1 of 1,609,632 alleles (0.000062%); highest among the groups gnomAD compares: Non-Finnish European, 0.000085%; no homozygotes.

Submission:

Labcorp Genetics (formerly Invitae), Labcorp
Classification: Uncertain significance for Facioscapulohumeral muscular dystrophy 2. Last evaluated: 2023-11-27. Review status: criteria provided, single submitter. Criteria: Invitae Variant Classification Sherloc (09022015). Collection method: clinical testing. Allele origin: germline.
Comment: This sequence change replaces glutamine, which is neutral and polar, with glutamic acid, which is acidic and polar, at codon 1288 of the SMCHD1 protein (p.Gln1288Glu). This variant is not present in population databases (gnomAD no frequency). This variant has not been reported in the literature in individuals affected with SMCHD1-related conditions. Advanced modeling of protein sequence and biophysical properties (such as structural, functional, and spatial information, amino acid conservation, physicochemical variation, residue mobility, and thermodynamic stability) performed at Invitae indicates that this missense variant is not expected to disrupt SMCHD1 protein function with a negative predictive value of 80%. In summary, the available evidence is currently insufficient to determine the role of this variant in disease. Therefore, it has been classified as a Variant of Uncertain Significance.

NM_015295.3(SMCHD1):c.3862C>G (p.Gln1288Glu)

Gene: SMCHD1 (structural maintenance of chromosomes flexible hinge domain containing 1; plus strand). Cytogenetic location: 18p11.32.
Variant type: single nucleotide variant.
Coding change: c.3862C>G on transcript NM_015295.3 (MANE Select); coding-DNA position 3862, C replaced by G.
Protein change: p.Gln1288Glu; replaces glutamine 1288 with glutamic acid.
Molecular consequence: missense variant.
Genome position (GRCh38, 1-based): chr18:2,747,582, C>G. VCF-style: chr18-2747582-C-G. GRCh37 (hg19) VCF-style: chr18-2747580-C-G.
Other names: short protein forms Q1288E.
Identifiers: ClinVar variation 2699313 (VCV002699313.3), dbSNP rs2510116120, ClinGen allele CA401690758.